The following is an entry in ClinVar:

ClinVar aggregate classification (germline): Likely pathogenic (1 of 4 stars; one submission).

Conditions:
Geleophysic dysplasia 2 (GPHYSD2). Identifiers: Orphanet 2623, MedGen C3280054, MONDO:0013612, OMIM 614185.
MASS syndrome (OCTD). Also called: MASS PHENOTYPE; OVERLAP CONNECTIVE TISSUE DISEASE. Identifiers: MedGen C1858556, MONDO:0011431, OMIM 604308.
Marfan syndrome (MFS). Also called: MARFAN SYNDROME, TYPE I; FBN1-Related Marfan Syndrome; Marfan syndrome type 1; Marfan's syndrome; Marfan syndrome, classic. Identifiers: Orphanet 284963, Orphanet 558, MedGen C0024796, MONDO:0007947, OMIM 154700.
Ectopia lentis 1, isolated, autosomal dominant (ECTOL1). Identifiers: Orphanet 1885, MedGen C3541518, MONDO:0007514, OMIM 129600.
Stiff skin syndrome (SSKS). Identifiers: Orphanet 2833, MedGen C1861456, MONDO:0008492, OMIM 184900.
Acromicric dysplasia (ACMICD). Also called: Acromicric skeletal dysplasia. Identifiers: Orphanet 969, MedGen C0265287, MONDO:0007055, OMIM 102370.
Progeroid and marfanoid aspect-lipodystrophy syndrome. Also called: MARFANOID-PROGEROID SYNDROME; MARFAN-PROGEROID-LIPODYSTROPHY SYNDROME; Marfan lipodystrophy syndrome; MARFANOID-PROGEROID-LIPODYSTROPHY SYNDROME. Identifiers: Orphanet 300382, MedGen C4310796, MONDO:0014831, OMIM 616914.
Weill-Marchesani syndrome 2, dominant. Also called: Weill-Marchesani Syndrome, Autosomal Dominant; FBN1-Related Weill-Marchesani Syndrome. Identifiers: Orphanet 2084, MedGen C1869115, MONDO:0012013, OMIM 608328.

Submission:

Center for Genomics, Ann and Robert H. Lurie Children's Hospital of Chicago
Classification: Likely pathogenic for Geleophysic dysplasia 2; Weill-Marchesani syndrome 2, dominant; Ectopia lentis 1, isolated, autosomal dominant; MASS syndrome; Progeroid and marfanoid aspect-lipodystrophy syndrome; Acromicric dysplasia; Marfan syndrome; Stiff skin syndrome. Review status: criteria provided, single submitter. Criteria: ACMG Guidelines, 2015. Collection method: clinical testing. Allele origin: germline.
Comment: This variant is not present in large control databases. Evolutionary conservation and computational predictive tools suggest that this variant may impact the protein. Of note, this variant is predicted to affect a cysteine residue. Cysteine in the FBN1 gene is reported to have important functional relevance; variants that involve a cysteine residue are reported to be particularly significant (Dietz PMID: 20301510). In summary, data on this variant is highly suspicious for disease, but requires further evidence for pathogenicity. Therefore, this variant is classified as likely pathogenic.

NM_000138.5(FBN1):c.6569G>A (p.Cys2190Tyr)

Gene: FBN1 (fibrillin 1; minus strand). Cytogenetic location: 15q21.1.
Variant type: single nucleotide variant.
Coding change: c.6569G>A on transcript NM_000138.5 (MANE Select); coding-DNA position 6569, G replaced by A.
Protein change: p.Cys2190Tyr; replaces cysteine 2190 with tyrosine.
Molecular consequence: missense variant.
Genome position (GRCh38, 1-based): chr15:48,434,641, C>T on the plus strand (G>A on the coding strand, the complement: FBN1 is on the minus strand). VCF-style: chr15-48434641-C-T. GRCh37 (hg19) VCF-style: chr15-48726838-C-T.
Other names: c.6569G>A, p.Cys2190Tyr (NM_001406716.1); short protein forms C2190Y.
Identifiers: ClinVar variation 2500232 (VCV002500232.2), dbSNP rs1566895262, ClinGen allele CA392334893.